The following is an entry in ClinVar:

ClinVar aggregate classification (germline): Uncertain significance. Review status: criteria provided, multiple submitters, no conflicts (2 of 4 stars). 2 submissions from 2 submitters: Uncertain significance (2). Last evaluated 2025-08-14.

Conditions:
Left ventricular noncompaction 8 (LVNC8). Identifiers: Orphanet 154, Orphanet 54260, MedGen C3809288, MONDO:0014152, OMIM 615373.
PRDM16-related disorder. Also called: PRDM16-related condition.

gnomAD v4.1: 28 of 1,607,122 alleles (0.0017%); highest among the groups gnomAD compares: Middle Eastern, 0.017%; no homozygotes.

Submissions (2):

PreventionGenetics, part of Exact Sciences
Classification: Uncertain significance for PRDM16-related condition. Last evaluated: 2025-08-14. Review status: criteria provided, single submitter. Criteria: ACMG Guidelines, 2015. Collection method: clinical testing. Allele origin: germline.
Comment: The PRDM16 c.633G>C variant is predicted to result in the amino acid substitution p.Lys211Asn. To our knowledge, this variant has not been reported in the literature. This variant is reported in 0.00093% of alleles in individuals of European (Non-Finnish) descent in gnomAD. At this time, the clinical significance of this variant is uncertain due to the absence of conclusive functional and genetic evidence.

Labcorp Genetics (formerly Invitae), Labcorp
Classification: Uncertain significance for Left ventricular noncompaction 8. Last evaluated: 2025-07-23. Review status: criteria provided, single submitter. Criteria: Invitae Variant Classification Sherloc (09022015). Collection method: clinical testing. Allele origin: germline.
Comment: This sequence change replaces lysine, which is basic and polar, with asparagine, which is neutral and polar, at codon 211 of the PRDM16 protein (p.Lys211Asn). This variant is present in population databases (no rsID available, gnomAD 0.0009%). This variant has not been reported in the literature in individuals affected with PRDM16-related conditions. An algorithm developed to predict the effect of missense changes on protein structure and function (PolyPhen-2) suggests that this variant is likely to be disruptive. In summary, the available evidence is currently insufficient to determine the role of this variant in disease. Therefore, it has been classified as a Variant of Uncertain Significance.

NM_022114.4(PRDM16):c.633G>C (p.Lys211Asn)

Gene: PRDM16 (PR/SET domain 16; plus strand). Cytogenetic location: 1p36.32.
Variant type: single nucleotide variant.
Coding change: c.633G>C on transcript NM_022114.4 (MANE Select); coding-DNA position 633, G replaced by C.
Protein change: p.Lys211Asn; replaces lysine 211 with asparagine.
Molecular consequence: missense variant.
Genome position (GRCh38, 1-based): chr1:3,396,550, G>C. VCF-style: chr1-3396550-G-C. GRCh37 (hg19) VCF-style: chr1-3313114-G-C.
Other names: c.633G>C, p.Lys211Asn (NM_199454.3); c.633G>C (NM_022114.3); short protein forms K211N.
Identifiers: ClinVar variation 4754666 (VCV004754666.2).